The following is an entry in ClinVar:

NC_000023.10:g.(?_31224679)_(31226400_?)del

Gene: DMD (dystrophin; minus strand). Cytogenetic location: Xp21.2.
Variant type: Deletion.
Identifiers: ClinVar variation 3243164 (VCV003243164.1).

ClinVar aggregate classification (germline): Pathogenic (1 of 4 stars; one submission).

Conditions:
Duchenne muscular dystrophy (DMD). Also called: MUSCULAR DYSTROPHY, PSEUDOHYPERTROPHIC PROGRESSIVE, DUCHENNE TYPE; Duchenne Muscular Dystrophy (DMD). Identifiers: Orphanet 98896, MedGen C0013264, MONDO:0010679, OMIM 310200.

Submission:

Labcorp Genetics (formerly Invitae), Labcorp
Classification: Pathogenic for Duchenne muscular dystrophy. Last evaluated: 2023-01-28. Review status: criteria provided, single submitter. Criteria: Invitae Variant Classification Sherloc (09022015). Collection method: clinical testing. Allele origin: unknown.
Comment: For these reasons, this variant has been classified as Pathogenic. A similar copy number variant has been observed in individual(s) with clinical features of Duchenne muscular dystrophy (PMID: 12111668, 19837995). This variant is a gross deletion of the genomic region encompassing exon(s) 66 of the DMD gene. This deletion is out-of-frame, and is expected to create a premature termination codon and result in an absent or disrupted protein product. Loss-of-function variants in DMD are known to be pathogenic (PMID: 16770791, 25007885).

Literature cited by the submitters: PubMed 12111668; PubMed 19837995; PubMed 16770791; PubMed 25007885.